The following is an entry in ClinVar:

NM_007194.4(CHEK2):c.1156G>A (p.Gly386Arg)

Gene: CHEK2 (checkpoint kinase 2; minus strand). Cytogenetic location: 22q12.1.
Variant type: single nucleotide variant.
Coding change: c.1156G>A on transcript NM_007194.4 (MANE Select); coding-DNA position 1156, G replaced by A.
Protein change: p.Gly386Arg; replaces glycine 386 with arginine.
Molecular consequence: missense variant.
Genome position (GRCh38, 1-based): chr22:28,695,813, C>T on the plus strand (G>A on the coding strand, the complement: CHEK2 is on the minus strand). VCF-style: chr22-28695813-C-T. GRCh37 (hg19) VCF-style: chr22-29091801-C-T.
Other names: c.1285G>A, p.Gly429Arg (NM_001005735.3); c.493G>A, p.Gly165Arg (NM_001257387.3); c.955G>A, p.Gly319Arg (NM_001349956.3); c.1069G>A, p.Gly357Arg (NM_145862.3); short protein forms G357R, G386R, G319R, G165R, G429R.
Identifiers: ClinVar variation 649820 (VCV000649820.14), dbSNP rs1601722994, ClinGen allele CA411096877.

ClinVar aggregate classification (germline): Uncertain significance. Review status: criteria provided, multiple submitters, no conflicts (2 of 4 stars). 3 submissions from 3 submitters: Uncertain significance (3). Last evaluated 2025-05-28.

Conditions:
Familial cancer of breast. Also called: hereditary breast carcinoma; Hereditary breast cancer; BREAST CANCER, FAMILIAL. Identifiers: Orphanet 227535, MedGen C0346153, MONDO:0016419, OMIM 114480. Disease mechanism: loss of function.
Hereditary cancer-predisposing syndrome. Also called: Neoplastic Syndromes, Hereditary; Tumor predisposition; Hereditary Cancer Syndrome; Hereditary neoplastic syndrome. Identifiers: Orphanet 140162, MedGen C0027672, MeSH D009386, MONDO:0015356.

Submissions (3):

Labcorp Genetics (formerly Invitae), Labcorp
Classification: Uncertain significance for Familial cancer of breast. Last evaluated: 2025-05-28. Review status: criteria provided, single submitter. Criteria: Invitae Variant Classification Sherloc (09022015). Collection method: clinical testing. Allele origin: germline.
Comment: This sequence change replaces glycine, which is neutral and non-polar, with arginine, which is basic and polar, at codon 386 of the CHEK2 protein (p.Gly386Arg). This variant is not present in population databases (gnomAD no frequency). This variant has not been reported in the literature in individuals affected with CHEK2-related conditions. ClinVar contains an entry for this variant (Variation ID: 649820). An algorithm developed to predict the effect of missense changes on protein structure and function (PolyPhen-2) suggests that this variant is likely to be disruptive. Experimental studies have shown that this missense change does not substantially affect CHEK2 function (PMID: 34903604). In summary, the available evidence is currently insufficient to determine the role of this variant in disease. Therefore, it has been classified as a Variant of Uncertain Significance.

Ambry Genetics
Classification: Uncertain significance for Hereditary cancer-predisposing syndrome. Last evaluated: 2024-11-25. Review status: criteria provided, single submitter. Criteria: Ambry Variant Classification Scheme 2023. Collection method: clinical testing. Allele origin: germline.
Comment: The p.G386R variant (also known as c.1156G>A), located in coding exon 10 of the CHEK2 gene, results from a G to A substitution at nucleotide position 1156. The glycine at codon 386 is replaced by arginine, an amino acid with dissimilar properties. This alteration was reported as damaging in an mES cell-based assay of CHEK2 activity (Boonen RACM et al. Cancer Res, 2022 Feb;82:615-631). This amino acid position is highly conserved in available vertebrate species. In addition, this alteration is predicted to be deleterious by in silico analysis. Based on the available evidence, the clinical significance of this variant remains unclear.

GeneDx
Classification: Uncertain significance. Last evaluated: 2024-03-19. Review status: criteria provided, single submitter. Criteria: GeneDx Variant Classification Process June 2021. Collection method: clinical testing. Allele origin: germline. Affected: yes.
Comment: Not observed at significant frequency in large population cohorts (gnomAD); In silico analysis supports that this missense variant has a deleterious effect on protein structure/function; This variant is associated with the following publications: (PMID: 19782031, 22419737, 34903604)

Literature cited by the submitters: PubMed 34903604 (cited by Labcorp Genetics (formerly Invitae), Labcorp and Ambry Genetics).